The following is an entry in ClinVar:

NM_000260.4(MYO7A):c.1081-3C>A

Gene: MYO7A (myosin VIIA; plus strand). Cytogenetic location: 11q13.5.
Variant type: single nucleotide variant.
Coding change: c.1081-3C>A on transcript NM_000260.4 (MANE Select); 3 bases into the intron before coding-DNA position 1081, C replaced by A.
Molecular consequence: intron variant.
Genome position (GRCh38, 1-based): chr11:77,160,160, C>A. VCF-style: chr11-77160160-C-A. GRCh37 (hg19) VCF-style: chr11-76871206-C-A.
Other names: c.1048-3C>A (NM_001369365.1); c.1081-3C>A (NM_001127180.2).
Identifiers: ClinVar variation 1420667 (VCV001420667.6), dbSNP rs1555067402, ClinGen allele CA2530756965.

ClinVar aggregate classification (germline): Uncertain significance (1 of 4 stars; one submission).

Submission:

Labcorp Genetics (formerly Invitae), Labcorp
Classification: Uncertain significance. Last evaluated: 2020-11-04. Review status: criteria provided, single submitter. Criteria: Invitae Variant Classification Sherloc (09022015). Collection method: clinical testing. Allele origin: germline.
Comment: Nucleotide substitutions within the consensus splice site are a relatively common cause of aberrant splicing (PMID: 17576681, 9536098). Algorithms developed to predict the effect of sequence changes on RNA splicing suggest that this variant may disrupt the consensus splice site, but this prediction has not been confirmed by published transcriptional studies. In summary, the available evidence is currently insufficient to determine the role of this variant in disease. Therefore, it has been classified as a Variant of Uncertain Significance. This variant has not been reported in the literature in individuals with MYO7A-related conditions. This variant is not present in population databases (ExAC no frequency). This sequence change falls in intron 10 of the MYO7A gene. It does not directly change the encoded amino acid sequence of the MYO7A protein. It affects a nucleotide within the consensus splice site of the intron.

Literature cited by the submitters: PubMed 17576681; PubMed 9536098.